The following is an entry in ClinVar:

NM_000038.6(APC):c.436G>A (p.Ala146Thr)

Gene: APC (APC regulator of Wnt signaling pathway; plus strand). Cytogenetic location: 5q22.2.
Variant type: single nucleotide variant.
Coding change: c.436G>A on transcript NM_000038.6 (MANE Select); coding-DNA position 436, G replaced by A.
Protein change: p.Ala146Thr; replaces alanine 146 with threonine.
Molecular consequence: missense variant. On other transcripts: 5 prime UTR variant (1).
Genome position (GRCh38, 1-based): chr5:112,775,642, G>A. VCF-style: chr5-112775642-G-A. GRCh37 (hg19) VCF-style: chr5-112111339-G-A.
Other names: c.436G>A, p.Ala146Thr (NM_001127510.3, NM_001354895.2, NM_001354896.2 and 2 more transcripts); c.466G>A, p.Ala156Thr (NM_001127511.3, NM_001354897.2, NM_001354902.2); c.361G>A, p.Ala121Thr (NM_001354898.2, NM_001354904.2); c.259G>A, p.Ala87Thr (NM_001354900.2, NM_001354901.2, NM_001354905.2); c.-600G>A (NM_001354906.2); short protein forms A87T, A121T, A156T, A146T.
Identifiers: ClinVar variation 824833 (VCV000824833.13), dbSNP rs763181290, ClinGen allele CA038866.

ClinVar aggregate classification (germline): Uncertain significance. Review status: criteria provided, multiple submitters, no conflicts (2 of 4 stars). 2 submissions from 2 submitters: Uncertain significance (2). Last evaluated 2025-11-24.

Conditions:
Hereditary cancer-predisposing syndrome. Also called: Neoplastic Syndromes, Hereditary; Tumor predisposition; Hereditary neoplastic syndrome; Hereditary Cancer Syndrome. Identifiers: Orphanet 140162, MedGen C0027672, MeSH D009386, MONDO:0015356.
Familial adenomatous polyposis 1 (FAP1). Also called: POLYPOSIS, ADENOMATOUS INTESTINAL; FAMILIAL ADENOMATOUS POLYPOSIS 1, ATTENUATED. Identifiers: MedGen C2713442, MONDO:0021056, OMIM 175100. Disease mechanism: loss of function.

Allele frequency attached by ClinVar (database versions not stated): gnomAD exomes below 0.00001; ExAC 0.00001.

Submissions (2):

Labcorp Genetics (formerly Invitae), Labcorp
Classification: Uncertain significance for Familial adenomatous polyposis 1. Last evaluated: 2025-11-24. Review status: criteria provided, single submitter. Criteria: Invitae Variant Classification Sherloc (09022015). Collection method: clinical testing. Allele origin: germline.
Comment: This sequence change replaces alanine, which is neutral and non-polar, with threonine, which is neutral and polar, at codon 146 of the APC protein (p.Ala146Thr). This variant is present in population databases (rs763181290, gnomAD 0.006%). This variant has not been reported in the literature in individuals affected with APC-related conditions. ClinVar contains an entry for this variant (Variation ID: 824833). Invitae Evidence Modeling of protein sequence and biophysical properties (such as structural, functional, and spatial information, amino acid conservation, physicochemical variation, residue mobility, and thermodynamic stability) indicates that this missense variant is not expected to disrupt APC protein function with a negative predictive value of 95%. In summary, the available evidence is currently insufficient to determine the role of this variant in disease. Therefore, it has been classified as a Variant of Uncertain Significance.

Ambry Genetics
Classification: Uncertain significance for Hereditary cancer-predisposing syndrome. Last evaluated: 2025-01-03. Review status: criteria provided, single submitter. Criteria: Ambry Variant Classification Scheme 2023. Collection method: clinical testing. Allele origin: germline.
Comment: The p.A146T variant (also known as c.436G>A), located in coding exon 4 of the APC gene, results from a G to A substitution at nucleotide position 436. The alanine at codon 146 is replaced by threonine, an amino acid with similar properties. This amino acid position is highly conserved in available vertebrate species. In addition, in silico predictors for this gene do not accurately predict pathogenicity. Since supporting evidence is limited at this time, the clinical significance of this alteration remains unclear.